The following is an entry in ClinVar:

ClinVar aggregate classification (germline): Pathogenic (1 of 4 stars; one submission).

Conditions:
Hereditary diffuse gastric adenocarcinoma (HDGC). Also called: DIFFUSE GASTRIC AND LOBULAR BREAST CANCER SYNDROME. Identifiers: Orphanet 26106, MedGen C1708349, MONDO:0007648, OMIM 137215.

Submission:

European Reference Network on Genetic Tumour Risk Syndromes (ERN-GENTURIS), i3s - Instituto de Investigação e Inovação em Saúde, University of Porto
Classification: Pathogenic for Hereditary diffuse gastric adenocarcinoma. Last evaluated: 2022-08-01. Review status: criteria provided, single submitter. Criteria: Lee et al. (Hum Mutat. 2018). Collection method: clinical testing. Allele origin: germline. Inheritance: Autosomal dominant inheritance. Affected: yes. Study: ERN GENTURIS.
Comment: PVS1; PS4_Supporting; PM2 (PMID: 30311375)

Literature cited by the submitters: PubMed 36436516.

NC_000016.10:g.(?_68737292)_(68835537_?)del

Genes: CDH1 (cadherin 1; plus strand), LOC112486201 (Sharpr-MPRA regulatory region 4224; plus strand), LOC128772402 (melanoma risk locus-associated MPRA allelic enhancer 16:68776246; plus strand), LOC128772403 (melanoma risk locus-associated MPRA allelic enhancer 16:68780069; plus strand), LOC128772404 (melanoma risk locus-associated MPRA allelic enhancer 16:68790502; plus strand) and 21 more. Cytogenetic location: 16q22.1.
Variant type: Deletion.
Identifiers: ClinVar variation 2503033 (VCV002503033.1).